The following is an entry in ClinVar:

ClinVar aggregate classification (germline): Likely pathogenic (1 of 4 stars; one submission).

Allele frequency attached by ClinVar (database versions not stated): TOPMed below 0.00001; gnomAD 0.00001.
gnomAD v4.1: 1 of 1,613,828 alleles (0.000062%); highest among the groups gnomAD compares: African/African-American, 0.0013%; no homozygotes.

Submission:

Labcorp Genetics (formerly Invitae), Labcorp
Classification: Likely pathogenic. Last evaluated: 2021-03-23. Review status: criteria provided, single submitter. Criteria: Invitae Variant Classification Sherloc (09022015). Collection method: clinical testing. Allele origin: germline.
Comment: This sequence change affects an acceptor splice site in intron 8 of the ERCC6 gene. It is expected to disrupt RNA splicing and likely results in an absent or disrupted protein product. This variant is not present in population databases (ExAC no frequency). In summary, the currently available evidence indicates that the variant is pathogenic, but additional data are needed to prove that conclusively. Therefore, this variant has been classified as Likely Pathogenic. Donor and acceptor splice site variants typically lead to a loss of protein function (PMID: 16199547), and loss-of-function variants in ERCC6 are known to be pathogenic (PMID: 9443879, 18628313). Algorithms developed to predict the effect of sequence changes on RNA splicing suggest that this variant may disrupt the consensus splice site, but this prediction has not been confirmed by published transcriptional studies. This variant has not been reported in the literature in individuals with ERCC6-related conditions.

Literature cited by the submitters: PubMed 16199547; PubMed 9443879; PubMed 18628313.

NM_000124.4(ERCC6):c.1822-2A>G

Gene: ERCC6 (ERCC excision repair 6, chromatin remodeling factor; minus strand). Cytogenetic location: 10q11.23.
Variant type: single nucleotide variant.
Coding change: c.1822-2A>G on transcript NM_000124.4 (MANE Select); the canonical splice acceptor site of the intron before coding-DNA position 1822, A replaced by G.
Molecular consequence: splice acceptor variant.
Genome position (GRCh38, 1-based): chr10:49,483,518, T>C on the plus strand (A>G on the coding strand, the complement: ERCC6 is on the minus strand). VCF-style: chr10-49483518-T-C. GRCh37 (hg19) VCF-style: chr10-50691564-T-C.
Other names: c.1822-2A>G (NM_001346440.2).
Identifiers: ClinVar variation 958167 (VCV000958167.8), dbSNP rs1157288312, ClinGen allele CA376725337.
Genomic context (GRCh38, chr10:49,483,518, plus strand): 5'-TAGGAGTAAGATGTGATCAAAATTCCATGACAATGAGCAACATCTCGAATTAGTTTCTCC[T>C]GAGACCACAATAAAATGGTAAAGTCAGTTTTAAATAAGAAGTGACACCCTTTCAATCATG-3'